The following is an entry in ClinVar:

NM_015164.4(PLEKHM2):c.925G>A (p.Glu309Lys)

Gene: PLEKHM2 (pleckstrin homology and RUN domain containing M2; plus strand). Cytogenetic location: 1p36.21.
Variant type: single nucleotide variant.
Coding change: c.925G>A on transcript NM_015164.4 (MANE Select); coding-DNA position 925, G replaced by A.
Protein change: p.Glu309Lys; replaces glutamic acid 309 with lysine.
Molecular consequence: missense variant.
Genome position (GRCh38, 1-based): chr1:15,725,529, G>A. VCF-style: chr1-15725529-G-A. GRCh37 (hg19) VCF-style: chr1-16052024-G-A.
Other names: c.865G>A, p.Glu289Lys (NM_001410755.1); c.925G>A (NM_015164.2); short protein forms E289K, E309K.
Identifiers: ClinVar variation 2716533 (VCV002716533.4), dbSNP rs780829198, ClinGen allele CA616804.

ClinVar aggregate classification (germline): Uncertain significance. Review status: criteria provided, multiple submitters, no conflicts (2 of 4 stars). 2 submissions from 2 submitters: Uncertain significance (2). Last evaluated 2024-03-16.

Allele frequency attached by ClinVar (database versions not stated): TOPMed below 0.00001; gnomAD 0.00001; gnomAD exomes 0.00004; ExAC 0.00028.
gnomAD v4.1: 52 of 1,566,616 alleles (0.0033%); highest among the groups gnomAD compares: South Asian, 0.061%; 1 homozygote.

Submissions (2):

Ambry Genetics
Classification: Uncertain significance. Last evaluated: 2024-03-16. Review status: criteria provided, single submitter. Criteria: Ambry Variant Classification Scheme 2023. Collection method: clinical testing. Allele origin: germline.

Labcorp Genetics (formerly Invitae), Labcorp
Classification: Uncertain significance. Last evaluated: 2023-02-08. Review status: criteria provided, single submitter. Criteria: Invitae Variant Classification Sherloc (09022015). Collection method: clinical testing. Allele origin: germline.
Comment: Algorithms developed to predict the effect of missense changes on protein structure and function are either unavailable or do not agree on the potential impact of this missense change (SIFT: "Tolerated"; PolyPhen-2: "Probably Damaging"; Align-GVGD: "Class C0"). In summary, the available evidence is currently insufficient to determine the role of this variant in disease. Therefore, it has been classified as a Variant of Uncertain Significance. This variant has not been reported in the literature in individuals affected with PLEKHM2-related conditions. This sequence change replaces glutamic acid, which is acidic and polar, with lysine, which is basic and polar, at codon 309 of the PLEKHM2 protein (p.Glu309Lys). This variant is present in population databases (rs780829198, gnomAD 0.07%), and has an allele count higher than expected for a pathogenic variant.